The following is an entry in ClinVar:

ClinVar aggregate classification (germline): Pathogenic. Review status: reviewed by expert panel (3 of 4 stars). 3 submissions from 3 submitters: Pathogenic (1). 2 of the submissions do not count toward it. Last evaluated 2019-12-22.

Conditions:
Phenylketonuria (PKU). Also called: Phenylketonuria (PKU); FOLLING DISEASE; OLIGOPHRENIA PHENYLPYRUVICA; Phenylketonurias. Identifiers: Orphanet 716, MedGen C0031485, MONDO:0009861, OMIM 261600. Disease mechanism: loss of function.

Allele frequency attached by ClinVar (database versions not stated): TOPMed below 0.00001; gnomAD exomes below 0.00001.
gnomAD v4.1: 1 of 1,612,750 alleles (0.000062%); highest among the groups gnomAD compares: Non-Finnish European, 0.000085%; no homozygotes.

Submissions (3):

ClinGen PAH Variant Curation Expert Panel
Classification: Pathogenic for Phenylketonuria. Last evaluated: 2019-12-22. Review status: reviewed by expert panel. Criteria: ClinGen PAH ACMG Specifications v1. Collection method: curation. Allele origin: germline. Inheritance: Autosomal recessive inheritance.
Comment: The c.969+5G>A variant in PAH has been reported in at least 4 individuals with classic PKU (BH4 deficiency excluded) (PP4_moderate; PMID: 24048906). This variant is absent in population databases (PM2). This variant has been detected in the homozygous state and in compound heterozygotes with at least 6 Pathogenic/Likely Pathogenic variants including A300S (ClinVar: 92751, Pathogenic), R176X (ClinVar: 102723, Pathogenic), c.168+5G>C (ClinVar 102606, Pathogenic), and c.913-7A>G (ClinVar: 102894, Likely Pathogenic), c.1066-11G>A (ClinVar: 607, Pathogenic), E280K (ClinVar 580, Pathogenic) (PM3_VeryStrong; PMID: 30159852, PMID:10947211, PMID:24048906, PMID:30389586, PMID:24368688). Computational prediction tools suggest that c.969+5G>A may impact the protein (PP3). In summary, this variant meets criteria to be classified as pathogenic for PAH. PAH-specific ACMG/AMP criteria applied: PM3_VeryStrong, PM2, PP3, PP4_Moderate.

Labcorp Genetics (formerly Invitae), Labcorp
Classification: Pathogenic for Phenylketonuria. Last evaluated: 2024-04-03. Review status: criteria provided, single submitter. Criteria: Invitae Variant Classification Sherloc (09022015). Collection method: clinical testing. Allele origin: germline. Not counted in ClinVar's aggregate classification.
Comment: This sequence change falls in intron 9 of the PAH gene. It does not directly change the encoded amino acid sequence of the PAH protein. It affects a nucleotide within the consensus splice site. This variant is not present in population databases (gnomAD no frequency). This variant has been observed in individual(s) with hyperphenylalaninemia (PMID: 10947211, 24368688, 26413448, 28676969, 29892150). This variant is also known as IVS9+5G>A. ClinVar contains an entry for this variant (Variation ID: 102915). Variants that disrupt the consensus splice site are a relatively common cause of aberrant splicing (PMID: 17576681, 9536098). Algorithms developed to predict the effect of sequence changes on RNA splicing suggest that this variant may disrupt the consensus splice site. For these reasons, this variant has been classified as Pathogenic.

DeBelle Laboratory for Biochemical Genetics, MUHC/MCH RESEARCH INSTITUTE
No classification provided. Review status: no classification provided. Collection method: not provided. Allele origin: not provided. Not counted in ClinVar's aggregate classification.

Literature cited by the submitters: PubMed 10947211 (cited by ClinGen PAH Variant Curation Expert Panel and Labcorp Genetics (formerly Invitae), Labcorp); PubMed 26413448 (cited by ClinGen PAH Variant Curation Expert Panel and Labcorp Genetics (formerly Invitae), Labcorp); PubMed 24368688 (cited by ClinGen PAH Variant Curation Expert Panel and Labcorp Genetics (formerly Invitae), Labcorp); PubMed 20920871 (cited by ClinGen PAH Variant Curation Expert Panel); PubMed 24048906 (cited by ClinGen PAH Variant Curation Expert Panel); PubMed 30389586 (cited by ClinGen PAH Variant Curation Expert Panel); PubMed 28676969 (cited by Labcorp Genetics (formerly Invitae), Labcorp); PubMed 29892150 (cited by Labcorp Genetics (formerly Invitae), Labcorp); PubMed 17576681 (cited by Labcorp Genetics (formerly Invitae), Labcorp); PubMed 9536098 (cited by Labcorp Genetics (formerly Invitae), Labcorp).

NM_000277.3(PAH):c.969+5G>A

Gene: PAH (phenylalanine hydroxylase; minus strand). Cytogenetic location: 12q23.2.
Variant type: single nucleotide variant.
Coding change: c.969+5G>A on transcript NM_000277.3 (MANE Select); 5 bases into the intron after coding-DNA position 969, G replaced by A.
Molecular consequence: intron variant.
Genome position (GRCh38, 1-based): chr12:102,846,890, C>T on the plus strand (G>A on the coding strand, the complement: PAH is on the minus strand). VCF-style: chr12-102846890-C-T. GRCh37 (hg19) VCF-style: chr12-103240668-C-T.
Other names: c.969+5G>A (NM_001354304.2).
Identifiers: ClinVar variation 102915 (VCV000102915.10), dbSNP rs62508637, ClinGen allele CA229879.
Genomic context (GRCh38, chr12:102,846,890, plus strand): 5'-TTCAAAGACCTGAGGGCCATAGCCTATAGCACTCCACCATCCACCCAGGGAGAGAAGGGA[C>T]TTACTGTGGCGAGCTTTTCAATGTATTCATCAGGTGCACCCAGAGAGGCAAGGCCAATTT-3'